The following is an entry in ClinVar:

ClinVar aggregate classification (germline): Uncertain significance. Review status: criteria provided, multiple submitters, no conflicts (2 of 4 stars). 2 submissions from 2 submitters: Uncertain significance (2). Last evaluated 2022-07-06.

Conditions:
Congenital myasthenic syndrome 10. Also called: Myasthenia, limb-girdle, familial. Identifiers: Orphanet 590, MedGen C1850792, MONDO:0009690, OMIM 254300.
Fetal akinesia deformation sequence 1 (FADS1). Also called: Fetal akinesia sequence; Pena-Shokeir syndrome type I. Identifiers: Orphanet 994, MedGen C1276035, MONDO:0100101, OMIM 208150, HP:0001989.
Inborn genetic diseases. Identifiers: MedGen C0950123, MeSH D030342.

Allele frequency attached by ClinVar (database versions not stated): TOPMed below 0.00001; gnomAD 0.00002.

Submissions (2):

Labcorp Genetics (formerly Invitae), Labcorp
Classification: Uncertain significance for Congenital myasthenic syndrome 10; Fetal akinesia deformation sequence 1. Last evaluated: 2022-07-06. Review status: criteria provided, single submitter. Criteria: Invitae Variant Classification Sherloc (09022015). Collection method: clinical testing. Allele origin: germline.
Comment: This sequence change replaces glutamic acid, which is acidic and polar, with lysine, which is basic and polar, at codon 229 of the DOK7 protein (p.Glu229Lys). This variant is present in population databases (no rsID available, gnomAD 0.01%). This variant has not been reported in the literature in individuals affected with DOK7-related conditions. Algorithms developed to predict the effect of missense changes on protein structure and function are either unavailable or do not agree on the potential impact of this missense change (SIFT: "Deleterious"; PolyPhen-2: "Benign"; Align-GVGD: "Class C0"). In summary, the available evidence is currently insufficient to determine the role of this variant in disease. Therefore, it has been classified as a Variant of Uncertain Significance.

Ambry Genetics
Classification: Uncertain significance for Inborn genetic diseases. Last evaluated: 2021-10-12. Review status: criteria provided, single submitter. Criteria: Ambry Variant Classification Scheme 2023. Collection method: clinical testing. Allele origin: germline.

NM_173660.5(DOK7):c.685G>A (p.Glu229Lys)

Gene: DOK7 (docking protein 7; plus strand). Cytogenetic location: 4p16.3.
Variant type: single nucleotide variant.
Coding change: c.685G>A on transcript NM_173660.5 (MANE Select); coding-DNA position 685, G replaced by A.
Protein change: p.Glu229Lys; replaces glutamic acid 229 with lysine.
Molecular consequence: missense variant. On other transcripts: 5 prime UTR variant (1).
Genome position (GRCh38, 1-based): chr4:3,489,709, G>A. VCF-style: chr4-3489709-G-A. GRCh37 (hg19) VCF-style: chr4-3491436-G-A.
Other names: c.674G>A, p.Gly225Glu (NM_001164673.2); c.-246G>A (NM_001256896.2); c.685G>A, p.Glu229Lys (NM_001301071.2); c.253G>A, p.Glu85Lys (NM_001363811.2); short protein forms E229K, E85K, G225E.
Identifiers: ClinVar variation 2052712 (VCV002052712.2), dbSNP rs768915955, ClinGen allele CA91548972.